The following is an entry in ClinVar:

NM_001378477.3(NYX):c.79C>T (p.Pro27Ser)

Gene: NYX (nyctalopin; plus strand). Cytogenetic location: Xp11.4.
Variant type: single nucleotide variant.
Coding change: c.79C>T on transcript NM_001378477.3 (MANE Select); coding-DNA position 79, C replaced by T.
Protein change: p.Pro27Ser; replaces proline 27 with serine.
Molecular consequence: missense variant.
Genome position (GRCh38, 1-based): chrX:41,473,547, C>T. VCF-style: chrX-41473547-C-T. GRCh37 (hg19) VCF-style: chrX-41332800-C-T.
Other names: c.79C>T, p.Pro27Ser (NM_022567.3); short protein forms P27S.
Identifiers: ClinVar variation 4760918 (VCV004760918.1).

ClinVar aggregate classification (germline): Uncertain significance (1 of 4 stars; one submission).

Submission:

Labcorp Genetics (formerly Invitae), Labcorp
Classification: Uncertain significance. Last evaluated: 2025-05-13. Review status: criteria provided, single submitter. Criteria: Invitae Variant Classification Sherloc (09022015). Collection method: clinical testing. Allele origin: germline.
Comment: This sequence change replaces proline, which is neutral and non-polar, with serine, which is neutral and polar, at codon 32 of the NYX protein (p.Pro32Ser). The frequency data for this variant in the population databases is considered unreliable, as metrics indicate insufficient coverage at this position in the gnomAD database. This variant has not been reported in the literature in individuals affected with NYX-related conditions. Invitae Evidence Modeling of protein sequence and biophysical properties (such as structural, functional, and spatial information, amino acid conservation, physicochemical variation, residue mobility, and thermodynamic stability) indicates that this missense variant is not expected to disrupt NYX protein function with a negative predictive value of 80%. In summary, the available evidence is currently insufficient to determine the role of this variant in disease. Therefore, it has been classified as a Variant of Uncertain Significance.